The following is an entry in ClinVar:

ClinVar aggregate classification (germline): Uncertain significance (1 of 4 stars; one submission).

Submission:

GeneDx
Classification: Uncertain significance. Last evaluated: 2024-09-25. Review status: criteria provided, single submitter. Criteria: GeneDx Variant Classification Process June 2021. Collection method: clinical testing. Allele origin: germline. Affected: yes.
Comment: Not observed at significant frequency in large population cohorts (gnomAD); In silico analysis supports that this missense variant has a deleterious effect on protein structure/function; Has not been previously published as pathogenic or benign to our knowledge

NM_021625.5(TRPV4):c.2116A>C (p.Thr706Pro)

Gene: TRPV4 (transient receptor potential cation channel subfamily V member 4; minus strand). Cytogenetic location: 12q24.11.
Variant type: single nucleotide variant.
Coding change: c.2116A>C on transcript NM_021625.5 (MANE Select); coding-DNA position 2116, A replaced by C.
Protein change: p.Thr706Pro; replaces threonine 706 with proline.
Molecular consequence: missense variant.
Genome position (GRCh38, 1-based): chr12:109,788,492, T>G on the plus strand (A>C on the coding strand, the complement: TRPV4 is on the minus strand). VCF-style: chr12-109788492-T-G. GRCh37 (hg19) VCF-style: chr12-110226297-T-G.
Other names: c.1975A>C, p.Thr659Pro (NM_001177428.2); c.2014A>C, p.Thr672Pro (NM_001177431.2); c.1795A>C, p.Thr599Pro (NM_001177433.2); c.1936A>C, p.Thr646Pro (NM_147204.3); short protein forms T599P, T646P, T659P, T672P, T706P.
Identifiers: ClinVar variation 2574884 (VCV002574884.2), dbSNP rs1889838562, ClinGen allele CA386650119.